The following is an entry in ClinVar:

NM_007050.6(PTPRT):c.405G>C (p.Val135=)

Gene: PTPRT (protein tyrosine phosphatase receptor type T; minus strand). Cytogenetic location: 20q12.
Variant type: single nucleotide variant.
Coding change: c.405G>C on transcript NM_007050.6 (MANE Select); coding-DNA position 405, G replaced by C.
Protein change: p.Val135=; no amino-acid change (valine 135 retained).
Molecular consequence: synonymous variant.
Genome position (GRCh38, 1-based): chr20:42,791,276, C>G on the plus strand (G>C on the coding strand, the complement: PTPRT is on the minus strand). VCF-style: chr20-42791276-C-G. GRCh37 (hg19) VCF-style: chr20-41419916-C-G.
Other names: c.405G>C, p.Val135= (NM_133170.4).
Identifiers: ClinVar variation 790218 (VCV000790218.5), dbSNP rs57623327, ClinGen allele CA9864853.

ClinVar aggregate classification (germline): Benign. Review status: criteria provided, single submitter (1 of 4 stars). 2 submissions from 2 submitters: Benign (1). 1 of the submissions does not count toward it. Last evaluated 2018-02-26.

Conditions:
PTPRT-related disorder. Also called: PTPRT-related condition.

Allele frequency attached by ClinVar (database versions not stated): ExAC 0.00124; 1000 Genomes Project 30x 0.00297; 1000 Genomes Project 0.00300; gnomAD 0.00351 and 0.00381; TOPMed 0.00377; ESP Exome Variant Server 0.00399.
gnomAD v4.1: 1,498 of 1,614,158 alleles (0.093%); highest among the groups gnomAD compares: African/African-American, 1.2%; 8 homozygotes.

Submissions (2):

Labcorp Genetics (formerly Invitae), Labcorp
Classification: Benign. Last evaluated: 2018-02-26. Review status: criteria provided, single submitter. Criteria: Invitae Variant Classification Sherloc (09022015). Collection method: clinical testing. Allele origin: germline.

PreventionGenetics, part of Exact Sciences
Classification: Benign for PTPRT-related condition. Last evaluated: 2019-04-26. Review status: no assertion criteria provided. Collection method: clinical testing. Allele origin: germline. Not counted in ClinVar's aggregate classification.
Comment: This variant is classified as benign based on ACMG/AMP sequence variant interpretation guidelines (Richards et al. 2015 PMID: 25741868, with internal and published modifications).